The following is an entry in ClinVar:

NM_017617.5(NOTCH1):c.32dup (p.Ala12fs)

Genes: NOTCH1 (notch receptor 1; minus strand), LOC130003020 (ATAC-STARR-seq lymphoblastoid silent region 20528; plus strand). Cytogenetic location: 9q34.3.
Variant type: Duplication.
Coding change: c.32dup on transcript NM_017617.5 (MANE Select); coding-DNA position 32, one base duplicated (T; older notation c.32dupT).
Protein change: p.Ala12fs; shifts the reading frame from alanine 12.
Molecular consequence: frameshift variant.
Genome position (GRCh38, 1-based): chr9:136,545,755, A duplicated on the plus strand (T on the coding strand, the reverse complement: NOTCH1 is on the minus strand). VCF-style (leftmost placement, unchanged base first): chr9-136545754-C-CA. GRCh37 (hg19) VCF-style: chr9-139440206-C-CA.
Other names: short protein forms A12fs.
Identifiers: ClinVar variation 5001862 (VCV005001862.1).

ClinVar aggregate classification (germline): Likely pathogenic (1 of 4 stars; one submission).

Conditions:
NOTCH1-related disorder. Also called: NOTCH1-related disorders; NOTCH1-related condition.

Submission:

PreventionGenetics, part of Exact Sciences
Classification: Likely pathogenic for NOTCH1-related condition. Last evaluated: 2025-07-12. Review status: criteria provided, single submitter. Criteria: ACMG Guidelines, 2015. Collection method: clinical testing. Allele origin: germline.
Comment: The NOTCH1 c.32dupT variant is predicted to result in a frameshift and premature protein termination (p.Ala12Glyfs*18). To our knowledge, this variant has not been reported in the literature or in a large population database (gnomAD), indicating this variant is rare. Frameshift variants in NOTCH1 are expected to be pathogenic. This variant is interpreted as likely pathogenic.